The following is an entry in ClinVar:

ClinVar aggregate classification (germline): Pathogenic (1 of 4 stars; one submission).

Submission:

Labcorp Genetics (formerly Invitae), Labcorp
Classification: Pathogenic. Last evaluated: 2021-07-24. Review status: criteria provided, single submitter. Criteria: Invitae Variant Classification Sherloc (09022015). Collection method: clinical testing. Allele origin: germline.
Comment: For these reasons, this variant has been classified as Pathogenic. This variant has not been reported in the literature in individuals affected with TYR-related conditions. This variant is not present in population databases (ExAC no frequency). This sequence change creates a premature translational stop signal (p.Glu221*) in the TYR gene. It is expected to result in an absent or disrupted protein product. Loss-of-function variants in TYR are known to be pathogenic (PMID: 23504663).

Literature cited by the submitters: PubMed 23504663.

NM_000372.5(TYR):c.661G>T (p.Glu221Ter)

Gene: TYR (tyrosinase; plus strand). Cytogenetic location: 11q14.3.
Variant type: single nucleotide variant.
Coding change: c.661G>T on transcript NM_000372.5 (MANE Select); coding-DNA position 661, G replaced by T.
Protein change: p.Glu221Ter; replaces glutamic acid 221 with a stop codon.
Molecular consequence: nonsense.
Genome position (GRCh38, 1-based): chr11:89,178,614, G>T. VCF-style: chr11-89178614-G-T. GRCh37 (hg19) VCF-style: chr11-88911782-G-T.
Other names: short protein forms E221*.
Identifiers: ClinVar variation 1392319 (VCV001392319.6), dbSNP rs758115945, ClinGen allele CA382035077.